The following is an entry in ClinVar:

ClinVar aggregate classification (germline): Conflicting classifications of pathogenicity. Review status: criteria provided, conflicting classifications (1 of 4 stars). 2 submissions from 2 submitters: Uncertain significance (1); Likely benign (1). Last evaluated 2025-08-06.

Conditions:
Adams-Oliver syndrome 5 (AOS5). Identifiers: Orphanet 974, MedGen C4014970, MONDO:0014459, OMIM 616028.

gnomAD v4.1: 3 of 1,592,936 alleles (0.00019%); highest among the groups gnomAD compares: Non-Finnish European, 0.00026%; no homozygotes.

Submissions (2):

GeneDx
Classification: Uncertain significance. Last evaluated: 2025-08-06. Review status: criteria provided, single submitter. Criteria: GeneDx Variant Classification Process June 2021. Collection method: clinical testing. Allele origin: germline. Affected: yes.
Comment: Not observed at significant frequency in large population cohorts (gnomAD); In silico analysis supports that this missense variant has a deleterious effect on protein structure/function; Has not been previously published as pathogenic or benign to our knowledge

Labcorp Genetics (formerly Invitae), Labcorp
Classification: Likely benign for Adams-Oliver syndrome 5. Last evaluated: 2025-04-23. Review status: criteria provided, single submitter. Criteria: Invitae Variant Classification Sherloc (09022015). Collection method: clinical testing. Allele origin: germline.

NM_017617.5(NOTCH1):c.7382G>T (p.Ser2461Ile)

Gene: NOTCH1 (notch receptor 1; minus strand). Cytogenetic location: 9q34.3.
Variant type: single nucleotide variant.
Coding change: c.7382G>T on transcript NM_017617.5 (MANE Select); coding-DNA position 7382, G replaced by T.
Protein change: p.Ser2461Ile; replaces serine 2461 with isoleucine.
Molecular consequence: missense variant.
Genome position (GRCh38, 1-based): chr9:136,496,357, C>A on the plus strand (G>T on the coding strand, the complement: NOTCH1 is on the minus strand). VCF-style: chr9-136496357-C-A. GRCh37 (hg19) VCF-style: chr9-139390809-C-A.
Other names: c.7382G>T (NM_017617.3); short protein forms S2461I.
Identifiers: ClinVar variation 1011208 (VCV001011208.9), dbSNP rs750245108, ClinGen allele CA5339685.